The following is an entry in ClinVar:

ClinVar aggregate classification (germline): Uncertain significance (1 of 4 stars; one submission).

Submission:

Ambry Genetics
Classification: Uncertain significance. Last evaluated: 2025-02-05. Review status: criteria provided, single submitter. Criteria: Ambry Variant Classification Scheme 2023. Collection method: clinical testing. Allele origin: germline.
Comment: The p.S1114G variant (also known as c.3340A>G), located in coding exon 13 of the CDK12 gene, results from an A to G substitution at nucleotide position 3340. The serine at codon 1114 is replaced by glycine, an amino acid with similar properties. This amino acid position is conserved. In addition, the in silico prediction for this alteration is inconclusive. Based on the available evidence, the clinical significance of this variant remains unclear.

NM_016507.4(CDK12):c.3340A>G (p.Ser1114Gly)

Gene: CDK12 (cyclin dependent kinase 12; plus strand). Cytogenetic location: 17q12.
Variant type: single nucleotide variant.
Coding change: c.3340A>G on transcript NM_016507.4 (MANE Select); coding-DNA position 3340, A replaced by G.
Protein change: p.Ser1114Gly; replaces serine 1114 with glycine.
Molecular consequence: missense variant.
Genome position (GRCh38, 1-based): chr17:39,525,896, A>G. VCF-style: chr17-39525896-A-G. GRCh37 (hg19) VCF-style: chr17-37682149-A-G.
Other names: c.3340A>G, p.Ser1114Gly (NM_015083.4); short protein forms S1114G.
Identifiers: ClinVar variation 3830608 (VCV003830608.1).